The following is an entry in ClinVar:

NM_000179.3(MSH6):c.3922C>A (p.Leu1308Ile)

Gene: MSH6 (mutS homolog 6; plus strand). Cytogenetic location: 2p16.3.
Variant type: single nucleotide variant.
Coding change: c.3922C>A on transcript NM_000179.3 (MANE Select); coding-DNA position 3922, C replaced by A.
Protein change: p.Leu1308Ile; replaces leucine 1308 with isoleucine.
Molecular consequence: missense variant. On other transcripts: synonymous variant (1), non-coding transcript variant (5), intron variant (1).
Genome position (GRCh38, 1-based): chr2:47,806,572, C>A. VCF-style: chr2-47806572-C-A. GRCh37 (hg19) VCF-style: chr2-48033711-C-A.
Other names: c.3844C>A, p.Leu1282Ile (NM_001406804.1); c.3625C>A, p.Leu1209Ile (NM_001406805.1, NM_001406797.1, NM_001406801.1 and 10 more transcripts); c.3397C>A, p.Leu1133Ile (NM_001406806.1, NM_001406807.1, NM_001406799.1); c.3016C>A, p.Leu1006Ile (NM_001406811.1, NM_001406812.1, NM_001281493.2 and 6 more transcripts); c.3928C>A, p.Leu1310Ile (NM_001406813.1); c.3922C>A, p.Leu1308Ile (NM_001406809.1, NM_001406808.1, NM_001406796.1); c.3532C>A, p.Leu1178Ile (NM_001281492.2); c.4018C>A, p.Leu1340Ile (NM_001406795.1); and 9 more; short protein forms L1308I, L235I, L257I, L1133I, L1282I, L623I, L786I, L1006I.
Identifiers: ClinVar variation 2453210 (VCV002453210.2), dbSNP rs1670123500, ClinGen allele CA346761462.
Genomic context (GRCh38, chr2:47,806,572, plus strand): 5'-AAATTCATTAAGGGAGCTTGTCCTAAAAGCTATGGCTTTAATGCAGCAAGGCTTGCTAAT[C>A]TCCCAGAGGAAGTTATTCAAAAGGGACATAGAAAAGCAAGAGAATTTGAGAAGATGAATC-3'
Protein context (NP_000170.1, residues 1298-1318): YGFNAARLAN[Leu1308Ile]PEEVIQKGHR

ClinVar aggregate classification (germline): Uncertain significance (1 of 4 stars; one submission).

Conditions:
Hereditary cancer-predisposing syndrome. Also called: Neoplastic Syndromes, Hereditary; Tumor predisposition; Hereditary neoplastic syndrome; Hereditary Cancer Syndrome. Identifiers: Orphanet 140162, MedGen C0027672, MeSH D009386, MONDO:0015356.

Allele frequency attached by ClinVar (database versions not stated): gnomAD exomes below 0.00001.
gnomAD v4.1: 2 of 1,613,634 alleles (0.00012%); highest among the groups gnomAD compares: Non-Finnish European, 0.00017%; no homozygotes.

Submission:

Ambry Genetics
Classification: Uncertain significance for Hereditary cancer-predisposing syndrome. Last evaluated: 2023-02-24. Review status: criteria provided, single submitter. Criteria: Ambry Variant Classification Scheme 2023. Collection method: clinical testing. Allele origin: germline.
Comment: The p.L1308I variant (also known as c.3922C>A), located in coding exon 9 of the MSH6 gene, results from a C to A substitution at nucleotide position 3922. The leucine at codon 1308 is replaced by isoleucine, an amino acid with highly similar properties. This amino acid position is conserved. In addition, this alteration is predicted to be tolerated by in silico analysis. Since supporting evidence is limited at this time, the clinical significance of this alteration remains unclear.